The following is an entry in ClinVar:

ClinVar aggregate classification (germline): Uncertain significance. Review status: criteria provided, multiple submitters, no conflicts (2 of 4 stars). 2 submissions from 2 submitters: Uncertain significance (2). Last evaluated 2024-11-24.

Conditions:
Inborn genetic diseases. Identifiers: MedGen C0950123, MeSH D030342.
Pulmonary fibrosis and/or bone marrow failure, Telomere-related, 3. Also called: PULMONARY FIBROSIS AND/OR BONE MARROW FAILURE SYNDROME, TELOMERE-RELATED, 3. Identifiers: Orphanet 2032, MedGen C4225346, MONDO:0014613, OMIM 616373.
Dyskeratosis congenita, autosomal recessive 5 (DKCB5). Identifiers: MedGen C3554656, MONDO:0014076, OMIM 615190.

gnomAD v4.1: 1 of 1,558,018 alleles (0.000064%); no homozygotes.

Submissions (2):

Ambry Genetics
Classification: Uncertain significance for Inborn genetic diseases. Last evaluated: 2024-11-24. Review status: criteria provided, single submitter. Criteria: Ambry Variant Classification Scheme 2023. Collection method: clinical testing. Allele origin: germline.
Comment: The p.G1191R variant (also known as c.3571G>A), located in coding exon 33 of the RTEL1 gene, results from a G to A substitution at nucleotide position 3571. The glycine at codon 1191 is replaced by arginine, an amino acid with dissimilar properties. This amino acid position is conserved. In addition, this alteration is predicted to be tolerated by in silico analysis. Based on the available evidence, the clinical significance of this variant remains unclear.

Labcorp Genetics (formerly Invitae), Labcorp
Classification: Uncertain significance for Dyskeratosis congenita, autosomal recessive 5; Pulmonary fibrosis and/or bone marrow failure, Telomere-related, 3. Last evaluated: 2024-06-12. Review status: criteria provided, single submitter. Criteria: Invitae Variant Classification Sherloc (09022015). Collection method: clinical testing. Allele origin: germline.
Comment: This sequence change replaces glycine, which is neutral and non-polar, with arginine, which is basic and polar, at codon 1191 of the RTEL1 protein (p.Gly1191Arg). This variant is not present in population databases (gnomAD no frequency). This variant has not been reported in the literature in individuals affected with RTEL1-related conditions. ClinVar contains an entry for this variant (Variation ID: 972410). Algorithms developed to predict the effect of missense changes on protein structure and function output the following: SIFT: "Not Available"; PolyPhen-2: "Benign"; Align-GVGD: "Not Available". The arginine amino acid residue is found in multiple mammalian species, which suggests that this missense change does not adversely affect protein function. In summary, the available evidence is currently insufficient to determine the role of this variant in disease. Therefore, it has been classified as a Variant of Uncertain Significance.

NM_001283009.2(RTEL1):c.3571G>A (p.Gly1191Arg)

Genes: RTEL1 (regulator of telomere elongation helicase 1; plus strand), RTEL1-TNFRSF6B (RTEL1-TNFRSF6B readthrough (NMD candidate); plus strand). Cytogenetic location: 20q13.33.
Variant type: single nucleotide variant.
Coding change: c.3571G>A on transcript NM_001283009.2 (MANE Select); coding-DNA position 3571, G replaced by A.
Protein change: p.Gly1191Arg; replaces glycine 1191 with arginine.
Molecular consequence: missense variant. On other transcripts: non-coding transcript variant (1).
Genome position (GRCh38, 1-based): chr20:63,695,399, G>A. VCF-style: chr20-63695399-G-A. GRCh37 (hg19) VCF-style: chr20-62326752-G-A.
Other names: c.2902G>A, p.Gly968Arg (NM_001283010.1); c.3571G>A, p.Gly1191Arg (NM_016434.4); c.3643G>A, p.Gly1215Arg (NM_032957.5); short protein forms G1191R, G1215R, G968R.
Identifiers: ClinVar variation 972410 (VCV000972410.8), dbSNP rs2090953166, ClinGen allele CA409686279.